The following is an entry in ClinVar:

ClinVar aggregate classification (germline): Uncertain significance (1 of 4 stars; one submission).

Conditions:
Ehlers-Danlos syndrome, classic type, 1 (EDSCL1). Also called: EHLERS-DANLOS SYNDROME, GRAVIS TYPE; EHLERS-DANLOS SYNDROME, SEVERE CLASSIC TYPE; Ehlers-Danlos syndrome, type 1; EDS I; Ehlers-Danlos Syndrome, Classic Type, COL5A1-Related. Identifiers: MedGen C0268335, MONDO:0019567, OMIM 130000.

Submission:

Labcorp Genetics (formerly Invitae), Labcorp
Classification: Uncertain significance for Ehlers-Danlos syndrome, classic type, 1. Last evaluated: 2025-12-18. Review status: criteria provided, single submitter. Criteria: Invitae Variant Classification Sherloc (09022015). Collection method: clinical testing. Allele origin: germline.
Comment: This sequence change falls in intron 65 of the COL5A1 gene. It does not directly change the encoded amino acid sequence of the COL5A1 protein. Information on the frequency of this variant in the gnomAD database is not available, as this variant may be reported differently in the database. This variant has not been reported in the literature in individuals affected with COL5A1-related conditions. ClinVar contains an entry for this variant (Variation ID: 2037408). Experimental studies and prediction algorithms are not available or were not evaluated, and the effect of this variant on mRNA splicing is currently unknown. In summary, the available evidence is currently insufficient to determine the role of this variant in disease. Therefore, it has been classified as a Variant of Uncertain Significance.

NM_000093.5(COL5A1):c.5371-17_5371-16delinsCC

Genes: COL5A1 (collagen type V alpha 1 chain; plus strand), LOC101448202 (uncharacterized LOC101448202; minus strand). Cytogenetic location: 9q34.3.
Variant type: Indel.
Coding change: c.5371-17_5371-16delinsCC on transcript NM_000093.5 (MANE Select); 17 bases into the intron before coding-DNA position 5371 through 16 bases into the intron before coding-DNA position 5371, GT replaced by CC.
Molecular consequence: intron variant.
Genome position (GRCh38, 1-based): chr9:134,842,140-134,842,141, GT replaced by CC. VCF-style: chr9-134842140-GT-CC. GRCh37 (hg19) VCF-style: chr9-137733986-GT-CC.
Other names: c.5371-17_5371-16delinsCC (NM_001278074.1).
Identifiers: ClinVar variation 2037408 (VCV002037408.3), dbSNP rs2490952698, ClinGen allele CA2580080061.